The following is an entry in ClinVar:

ClinVar aggregate classification (germline): Uncertain significance. Review status: criteria provided, multiple submitters, no conflicts (2 of 4 stars). 2 submissions from 2 submitters: Uncertain significance (2). Last evaluated 2024-05-02.

Conditions:
Inborn genetic diseases. Identifiers: MedGen C0950123, MeSH D030342.

Allele frequency attached by ClinVar (database versions not stated): ExAC 0.00003; TOPMed 0.00003; gnomAD 0.00004; gnomAD exomes 0.00002.
gnomAD v4.1: 31 of 1,613,958 alleles (0.0019%); highest among the groups gnomAD compares: African/African-American, 0.0027%; no homozygotes.

Submissions (2):

Ambry Genetics
Classification: Uncertain significance for Inborn genetic diseases. Last evaluated: 2024-05-02. Review status: criteria provided, single submitter. Criteria: Ambry Variant Classification Scheme 2023. Collection method: clinical testing. Allele origin: germline.

Labcorp Genetics (formerly Invitae), Labcorp
Classification: Uncertain significance. Last evaluated: 2022-08-09. Review status: criteria provided, single submitter. Criteria: Invitae Variant Classification Sherloc (09022015). Collection method: clinical testing. Allele origin: germline.
Comment: This sequence change replaces glycine, which is neutral and non-polar, with arginine, which is basic and polar, at codon 223 of the SLC9A3R1 protein (p.Gly223Arg). This variant is present in population databases (rs756919776, gnomAD 0.006%). This variant has not been reported in the literature in individuals affected with SLC9A3R1-related conditions. Algorithms developed to predict the effect of missense changes on protein structure and function are either unavailable or do not agree on the potential impact of this missense change (SIFT: "Deleterious"; PolyPhen-2: "Probably Damaging"; Align-GVGD: "Class C15"). In summary, the available evidence is currently insufficient to determine the role of this variant in disease. Therefore, it has been classified as a Variant of Uncertain Significance.

NM_004252.5(NHERF1):c.667G>A (p.Gly223Arg)

Gene: NHERF1 (NHERF family PDZ scaffold protein 1; plus strand). Cytogenetic location: 17q25.1.
Variant type: single nucleotide variant.
Coding change: c.667G>A on transcript NM_004252.5 (MANE Select); coding-DNA position 667, G replaced by A.
Protein change: p.Gly223Arg; replaces glycine 223 with arginine.
Molecular consequence: missense variant.
Genome position (GRCh38, 1-based): chr17:74,763,430, G>A. VCF-style: chr17-74763430-G-A. GRCh37 (hg19) VCF-style: chr17-72759569-G-A.
Other names: c.667G>A (NM_004252.3); short protein forms G223R.
Identifiers: ClinVar variation 2884457 (VCV002884457.4), dbSNP rs756919776, ClinGen allele CA8750685.